The following is an entry in ClinVar:

NM_021076.4(NEFH):c.466_467delinsTT (p.Ala156Leu)

Gene: NEFH (neurofilament heavy chain; plus strand). Cytogenetic location: 22q12.2.
Variant type: Indel.
Coding change: c.466_467delinsTT on transcript NM_021076.4 (MANE Select); coding-DNA positions 466 to 467, GC replaced by TT.
Protein change: p.Ala156Leu; replaces alanine 156 with leucine.
Molecular consequence: missense variant.
Genome position (GRCh38, 1-based): chr22:29,480,728-29,480,729, GC replaced by TT. VCF-style: chr22-29480728-GC-TT. GRCh37 (hg19) VCF-style: chr22-29876717-GC-TT.
Other names: short protein forms A156L.
Identifiers: ClinVar variation 2776928 (VCV002776928.3), dbSNP rs2517968891, ClinGen allele CA2739267858.

ClinVar aggregate classification (germline): Uncertain significance (1 of 4 stars; one submission).

Submission:

Labcorp Genetics (formerly Invitae), Labcorp
Classification: Uncertain significance. Last evaluated: 2023-04-26. Review status: criteria provided, single submitter. Criteria: Invitae Variant Classification Sherloc (09022015). Collection method: clinical testing. Allele origin: germline.
Comment: In summary, the available evidence is currently insufficient to determine the role of this variant in disease. Therefore, it has been classified as a Variant of Uncertain Significance. Experimental studies and prediction algorithms are not available or were not evaluated, and the functional significance of this variant is currently unknown. This variant has not been reported in the literature in individuals affected with NEFH-related conditions. Information on the frequency of this variant in the gnomAD database is not available, as this variant may be reported differently in the database. This sequence change replaces alanine, which is neutral and non-polar, with leucine, which is neutral and non-polar, at codon 156 of the NEFH protein (p.Ala156Leu).